The following is an entry in ClinVar:

NM_000138.5(FBN1):c.1679G>A (p.Gly560Asp)

Gene: FBN1 (fibrillin 1; minus strand). Cytogenetic location: 15q21.1.
Variant type: single nucleotide variant.
Coding change: c.1679G>A on transcript NM_000138.5 (MANE Select); coding-DNA position 1679, G replaced by A.
Protein change: p.Gly560Asp; replaces glycine 560 with aspartic acid.
Molecular consequence: missense variant.
Genome position (GRCh38, 1-based): chr15:48,510,079, C>T on the plus strand (G>A on the coding strand, the complement: FBN1 is on the minus strand). VCF-style: chr15-48510079-C-T. GRCh37 (hg19) VCF-style: chr15-48802276-C-T.
Other names: short protein forms G560D.
Identifiers: ClinVar variation 549034 (VCV000549034.12), dbSNP rs1555400052, ClinGen allele CA392341008.

ClinVar aggregate classification (germline): Conflicting classifications of pathogenicity. Review status: criteria provided, conflicting classifications (1 of 4 stars). 5 submissions from 5 submitters: Pathogenic (1); Uncertain significance (2). 2 of the submissions do not count toward it. Last evaluated 2026-08-15.

Conditions:
Marfan syndrome (MFS). Also called: FBN1-Related Marfan Syndrome; Marfan syndrome type 1; Marfan syndrome, classic; Marfan's syndrome; MARFAN SYNDROME, TYPE I. Identifiers: Orphanet 284963, Orphanet 558, MedGen C0024796, MONDO:0007947, OMIM 154700.
Familial thoracic aortic aneurysm and aortic dissection (TAAD). Also called: Thoracic aortic aneurysms and dissections. Identifiers: Orphanet 91387, MedGen C4707243, MONDO:0019625.

Submissions (5):

GeneDx
Classification: Uncertain significance. Last evaluated: 2026-08-15. Review status: criteria provided, single submitter. Criteria: GeneDx Variant Classification Process June 2021. Collection method: clinical testing. Allele origin: germline.
Comment: Does not affect a cysteine or calcium-binding residue within an EGF-like domain or a TGF-binding protein domain of the FBN1 gene; cysteine substitutions in the EGF-like domains represent the majority of pathogenic missense changes associated with FBN1-related disorders (PMID: 12938084); Not observed at significant frequency in large population cohorts (gnomAD); In silico analysis supports that this missense variant has a deleterious effect on protein structure/function; This variant is associated with the following publications: (PMID: 40169830, 25101912, 37558401, 12938084)

Labcorp Genetics (formerly Invitae), Labcorp
Classification: Pathogenic for Marfan syndrome; Familial thoracic aortic aneurysm and aortic dissection. Last evaluated: 2023-01-03. Review status: criteria provided, single submitter. Criteria: Invitae Variant Classification Sherloc (09022015). Collection method: clinical testing. Allele origin: germline.
Comment: This variant is not present in population databases (gnomAD no frequency). For these reasons, this variant has been classified as Pathogenic. This variant disrupts the p.Gly560 amino acid residue in FBN1. Other variant(s) that disrupt this residue have been determined to be pathogenic (Invitae). This suggests that this residue is clinically significant, and that variants that disrupt this residue are likely to be disease-causing. Advanced modeling of protein sequence and biophysical properties (such as structural, functional, and spatial information, amino acid conservation, physicochemical variation, residue mobility, and thermodynamic stability) performed at Invitae indicates that this missense variant is expected to disrupt FBN1 protein function. ClinVar contains an entry for this variant (Variation ID: 549034). This missense change has been observed in individuals with FBN1-related conditions (PMID: 25101912; Invitae). This sequence change replaces glycine, which is neutral and non-polar, with aspartic acid, which is acidic and polar, at codon 560 of the FBN1 protein (p.Gly560Asp).

Revvity Omics, Revvity
Classification: Uncertain significance. Last evaluated: 2019-07-23. Review status: criteria provided, single submitter. Criteria: ACMG Guidelines, 2015. Collection method: clinical testing. Allele origin: germline.

Department of Laboratory Medicine and Genetics, Samsung Medical Center
Classification: Likely pathogenic for Marfan syndrome. Last evaluated: 2025-01-02. Review status: no assertion criteria provided. Collection method: clinical testing. Allele origin: germline. Affected: yes. Not counted in ClinVar's aggregate classification.
Comment: The NM_000138.5:c.1679G>A is considered to be rare in the general population database (gnomAD v2.1.1). This variant is predicted to be deletrious by in-silico analysis (REVEL). This variant was found in a patient with Marfan syndrome meeting revised Ghent criteria (PMID: 25101912). According to the ClinGen guidance for PP1/BS4 and PP4 criteria (PMID: 38103548), PP4 with weighted strength was applied. In summary, this variant was classified as a likely pathogenic variant for Marfan syndrome (PP2, PP3, PP4 with weighted strength, PM2_P).

Center for Medical Genetics Ghent, University of Ghent
Classification: Likely pathogenic for Marfan syndrome. Last evaluated: 2017-11-07. Review status: no assertion criteria provided. Collection method: clinical testing. Allele origin: germline. Affected: yes. Not counted in ClinVar's aggregate classification.

Literature cited by the submitters: PubMed 25101912 (cited by Labcorp Genetics (formerly Invitae), Labcorp and Department of Laboratory Medicine and Genetics, Samsung Medical Center); PubMed 37558401 (cited by Department of Laboratory Medicine and Genetics, Samsung Medical Center).